The following is an entry in ClinVar:

ClinVar aggregate classification (germline): Likely benign (1 of 4 stars; one submission).

Conditions:
Hermansky-Pudlak syndrome 1 (HPS1). Also called: DELTA STORAGE POOL DISEASE. Identifiers: Orphanet 231500, Orphanet 79430, MedGen C2931875, MONDO:0008748, OMIM 203300.

Allele frequency attached by ClinVar (database versions not stated): gnomAD 0.00001 and 0.00015; TOPMed 0.00005; 1000 Genomes Project 0.00060; 1000 Genomes Project 30x 0.00094.

Submission:

Illumina Laboratory Services, Illumina
Classification: Likely benign for Hermansky-Pudlak syndrome 1. Last evaluated: 2018-01-13. Review status: criteria provided, single submitter. Criteria: ICSL Variant Classification Criteria 13 December 2019. Collection method: clinical testing. Allele origin: germline.
Comment: This variant was observed in the ICSL laboratory as part of a predisposition screen in an ostensibly healthy population. It had not been previously curated by ICSL or reported in the Human Gene Mutation Database (HGMD: prior to June 1st, 2018), and was therefore a candidate for classification through an automated scoring system. Utilizing variant allele frequency, disease prevalence and penetrance estimates, and inheritance mode, an automated score was calculated to assess if this variant is too frequent to cause the disease. Based on the score and internal cut-off values, a variant classified as likely benign is not then subjected to further curation. The score for this variant resulted in a classification of likely benign for this disease.

NM_000195.5(HPS1):c.-219C>G

Genes: HPS1 (HPS1 biogenesis of lysosomal organelles complex 3 subunit 1; minus strand), HPS1-AS1 (HPS1 antisense RNA 1; plus strand), LOC130004494 (ATAC-STARR-seq lymphoblastoid silent region 2688; plus strand). Cytogenetic location: 10q24.2.
Variant type: single nucleotide variant.
Coding change: c.-219C>G on transcript NM_000195.5 (MANE Select); 219 bases upstream of the start codon, C replaced by G.
Molecular consequence: 5 prime UTR variant.
Genome position (GRCh38, 1-based): chr10:98,446,920, G>C on the plus strand (C>G on the coding strand, the complement: HPS1 is on the minus strand). VCF-style: chr10-98446920-G-C. GRCh37 (hg19) VCF-style: chr10-100206677-G-C.
Other names: c.-1144C>G (NM_001311345.2); c.-148C>G (NM_001322476.2, NM_001322478.2, NM_001322480.2 and 2 more transcripts); c.-228C>G (NM_001322477.2, NM_001322479.2, NM_001322481.2 and 3 more transcripts); c.-374C>G (NM_001322483.2); c.-454C>G (NM_001322484.2); c.-445C>G (NM_001322485.2); c.-1243C>G (NM_001322487.2); c.-1001C>G (NM_001322489.2).
Identifiers: ClinVar variation 877572 (VCV000877572.4), dbSNP rs574471533, ClinGen allele CA212772218.